The following is an entry in ClinVar:

NM_198576.4(AGRN):c.20C>T (p.Pro7Leu)

Gene: AGRN (agrin; plus strand). Cytogenetic location: 1p36.33.
Variant type: single nucleotide variant.
Coding change: c.20C>T on transcript NM_198576.4 (MANE Select); coding-DNA position 20, C replaced by T.
Protein change: p.Pro7Leu; replaces proline 7 with leucine.
Molecular consequence: missense variant.
Genome position (GRCh38, 1-based): chr1:1,020,192, C>T. VCF-style: chr1-1020192-C-T. GRCh37 (hg19) VCF-style: chr1-955572-C-T.
Other names: c.20C>T, p.Pro7Leu (NM_001305275.2); short protein forms P7L.
Identifiers: ClinVar variation 1500704 (VCV001500704.7), dbSNP rs1389840850, ClinGen allele CA337809440.
Genomic context (GRCh38, chr1:1,020,192, plus strand): 5'-GGCGCGGCCCGCGCGCTCCTCCGCCGCCTCTCGCCTGCGCCATGGCCGGCCGGTCCCACC[C>T]GGGCCCGCTGCGGCCGCTGCTGCCGCTCCTTGTGGTGGCCGCGTGCGTCCTGCCCGGAGC-3'
Protein context (NP_940978.2, residues 1-17): MAGRSH[Pro7Leu]GPLRPLLPLL

ClinVar aggregate classification (germline): Uncertain significance (1 of 4 stars; one submission).

Conditions:
Congenital myasthenic syndrome 8. Also called: Myasthenic syndrome, congenital, 8, with pre- and postsynaptic defects; MYASTHENIC SYNDROME, CONGENITAL, DUE TO AGRIN DEFICIENCY. Identifiers: Orphanet 590, MedGen C3808739, MONDO:0014052, OMIM 615120.

Allele frequency attached by ClinVar (database versions not stated): 1000 Genomes Project 30x 0.00031.
gnomAD v4.1: 15 of 1,360,524 alleles (0.0011%); highest among the groups gnomAD compares: African/African-American, 0.021%; 1 homozygote.

Submission:

Labcorp Genetics (formerly Invitae), Labcorp
Classification: Uncertain significance for Congenital myasthenic syndrome 8. Last evaluated: 2022-03-01. Review status: criteria provided, single submitter. Criteria: Invitae Variant Classification Sherloc (09022015). Collection method: clinical testing. Allele origin: germline.
Comment: In summary, the available evidence is currently insufficient to determine the role of this variant in disease. Therefore, it has been classified as a Variant of Uncertain Significance. Algorithms developed to predict the effect of missense changes on protein structure and function output the following: SIFT: "Tolerated"; PolyPhen-2: "Not Available"; Align-GVGD: "Class C0". The leucine amino acid residue is found in multiple mammalian species, which suggests that this missense change does not adversely affect protein function. This variant has not been reported in the literature in individuals affected with AGRN-related conditions. This variant is not present in population databases (gnomAD no frequency). This sequence change replaces proline, which is neutral and non-polar, with leucine, which is neutral and non-polar, at codon 7 of the AGRN protein (p.Pro7Leu).